The following is an entry in ClinVar:

ClinVar aggregate classification (germline): Uncertain significance. Review status: criteria provided, multiple submitters, no conflicts (2 of 4 stars). 2 submissions from 2 submitters: Uncertain significance (2). Last evaluated 2026-03-09.

Conditions:
Cardiovascular phenotype. Identifiers: MedGen CN230736.
Walker-Warburg congenital muscular dystrophy. Also called: Muscular dystrophy-dystroglycanopathy, type A; Walker-Warburg syndrome. Identifiers: Orphanet 899, MedGen C0265221, MONDO:0000171.

gnomAD v4.1: 1 of 1,607,814 alleles (0.000062%); highest among the groups gnomAD compares: Non-Finnish European, 0.000085%; no homozygotes.

Submissions (2):

Ambry Genetics
Classification: Uncertain significance for Cardiovascular phenotype. Last evaluated: 2026-03-09. Review status: criteria provided, single submitter. Criteria: Ambry Variant Classification Scheme 2023. Collection method: clinical testing. Allele origin: germline.
Comment: The p.C6R variant (also known as c.16T>C), located in coding exon 1 of the FKRP gene, results from a T to C substitution at nucleotide position 16. The cysteine at codon 6 is replaced by arginine, an amino acid with highly dissimilar properties. This amino acid position is conserved. In addition, this alteration is predicted to be deleterious by in silico analysis. Based on the available evidence, the clinical significance of this variant remains unclear.

Labcorp Genetics (formerly Invitae), Labcorp
Classification: Uncertain significance for Walker-Warburg congenital muscular dystrophy. Last evaluated: 2021-03-18. Review status: criteria provided, single submitter. Criteria: Invitae Variant Classification Sherloc (09022015). Collection method: clinical testing. Allele origin: germline.
Comment: In summary, the available evidence is currently insufficient to determine the role of this variant in disease. Therefore, it has been classified as a Variant of Uncertain Significance. Algorithms developed to predict the effect of missense changes on protein structure and function are either unavailable or do not agree on the potential impact of this missense change (SIFT: "Deleterious"; PolyPhen-2: "Probably Damaging"; Align-GVGD: "Class C0"). This variant has not been reported in the literature in individuals with FKRP-related conditions. This variant is not present in population databases (ExAC no frequency). This sequence change replaces cysteine with arginine at codon 6 of the FKRP protein (p.Cys6Arg). The cysteine residue is highly conserved and there is a large physicochemical difference between cysteine and arginine.

NM_024301.5(FKRP):c.16T>C (p.Cys6Arg)

Gene: FKRP (fukutin related protein; plus strand). Cytogenetic location: 19q13.32.
Variant type: single nucleotide variant.
Coding change: c.16T>C on transcript NM_024301.5 (MANE Select); coding-DNA position 16, T replaced by C.
Protein change: p.Cys6Arg; replaces cysteine 6 with arginine.
Molecular consequence: missense variant.
Genome position (GRCh38, 1-based): chr19:46,755,466, T>C. VCF-style: chr19-46755466-T-C. GRCh37 (hg19) VCF-style: chr19-47258723-T-C.
Other names: c.16T>C, p.Cys6Arg (NM_001039885.3); c.16T>C (NM_024301.4); short protein forms C6R.
Identifiers: ClinVar variation 1436650 (VCV001436650.9), dbSNP rs2122606907, ClinGen allele CA406494496.